The following is an entry in ClinVar:

NM_014055.4(IFT81):c.1404_1406delinsGAAGT (p.Ser469fs)

Gene: IFT81 (intraflagellar transport 81; plus strand). Cytogenetic location: 12q24.11.
Variant type: Indel.
Coding change: c.1404_1406delinsGAAGT on transcript NM_014055.4 (MANE Select); coding-DNA positions 1404 to 1406, ATC replaced by GAAGT.
Protein change: p.Ser469fs; shifts the reading frame from serine 469.
Molecular consequence: frameshift variant. On other transcripts: non-coding transcript variant (4).
Genome position (GRCh38, 1-based): chr12:110,190,985-110,190,987, ATC replaced by GAAGT. VCF-style: chr12-110190985-ATC-GAAGT. GRCh37 (hg19) VCF-style: chr12-110628790-ATC-GAAGT.
Other names: c.1404_1406delinsGAAGT, p.Ser469fs (NM_001143779.2); c.474_476delinsGAAGT, p.Ser159fs (NM_001347947.2, NM_001347948.2); short protein forms S159fs, S469fs.
Identifiers: ClinVar variation 971198 (VCV000971198.6), dbSNP rs1897771129, ClinGen allele CA1139662882.

ClinVar aggregate classification (germline): Pathogenic (1 of 4 stars; one submission).

Submission:

Labcorp Genetics (formerly Invitae), Labcorp
Classification: Pathogenic. Last evaluated: 2019-08-30. Review status: criteria provided, single submitter. Criteria: Invitae Variant Classification Sherloc (09022015). Collection method: clinical testing. Allele origin: germline.
Comment: For these reasons, this variant has been classified as Pathogenic. Loss-of-function variants in IFT81 are known to be pathogenic (PMID: 26275418, 27666822). This variant has not been reported in the literature in individuals with IFT81-related conditions. This variant is not present in population databases (ExAC no frequency). This sequence change creates a premature translational stop signal (p.Ser469Lysfs*4) in the IFT81 gene. It is expected to result in an absent or disrupted protein product.

Literature cited by the submitters: PubMed 26275418; PubMed 27666822.